The following is an entry in ClinVar:

NM_153676.4(USH1C):c.403G>A (p.Val135Ile)

Gene: USH1C (USH1 protein network component harmonin; minus strand). Cytogenetic location: 11p15.1.
Variant type: single nucleotide variant.
Coding change: c.403G>A on transcript NM_153676.4 (MANE Select); coding-DNA position 403, G replaced by A.
Protein change: p.Val135Ile; replaces valine 135 with isoleucine.
Molecular consequence: missense variant. On other transcripts: non-coding transcript variant (1).
Genome position (GRCh38, 1-based): chr11:17,527,316, C>T on the plus strand (G>A on the coding strand, the complement: USH1C is on the minus strand). VCF-style: chr11-17527316-C-T. GRCh37 (hg19) VCF-style: chr11-17548863-C-T.
Other names: DFNB18A; c.403G>A, p.Val135Ile (NM_001297764.2, NM_005709.4); short protein forms V135I.
Identifiers: ClinVar variation 48015 (VCV000048015.46), dbSNP rs145013633, ClinGen allele CA142380.

ClinVar aggregate classification (germline): Conflicting classifications of pathogenicity. Review status: criteria provided, conflicting classifications (1 of 4 stars). 12 submissions from 11 submitters: Uncertain significance (2); Benign (2); Likely benign (7). 1 of the submissions does not count toward it. Last evaluated 2026-09-01.

Conditions:
Usher syndrome type 1C. Also called: USHER SYNDROME, TYPE I, ACADIAN VARIETY. Identifiers: Orphanet 231169, Orphanet 886, MedGen C1848604, MONDO:0010171, OMIM 276904.
Autosomal recessive nonsyndromic hearing loss 18A. Also called: Deafness, autosomal recessive 18A; DEAFNESS, AUTOSOMAL RECESSIVE 18. Identifiers: Orphanet 90636, MedGen C1865870, MONDO:0011192, OMIM 602092.

Allele frequency attached by ClinVar (database versions not stated): ExAC 0.00227; gnomAD 0.00231 and 0.00234; gnomAD exomes 0.00249 and 0.00227; 1000 Genomes Project 0.00100; TOPMed 0.00226; 1000 Genomes Project 30x 0.00141; ESP Exome Variant Server 0.00231.
gnomAD v4.1: 3,986 of 1,612,278 alleles (0.25%); highest among the groups gnomAD compares: Admixed American, 0.32%; 8 homozygotes.

Submissions (12):

CeGaT Center for Human Genetics Tuebingen
Classification: Likely benign. Last evaluated: 2026-09-01. Review status: criteria provided, single submitter. Criteria: CeGaT Center For Human Genetics Tuebingen Variant Classification Criteria Version 2. Collection method: clinical testing. Allele origin: germline. Affected: yes. Observed: 7 variant alleles.
Comment: USH1C: BS2

Labcorp Genetics (formerly Invitae), Labcorp
Classification: Benign. Last evaluated: 2026-02-01. Review status: criteria provided, single submitter. Criteria: Invitae Variant Classification Sherloc (09022015). Collection method: clinical testing. Allele origin: germline.

Laboratory of Prof. Karen Avraham, Tel Aviv University
Classification: Uncertain significance for Autosomal recessive nonsyndromic hearing loss 18A. Last evaluated: 2024-12-26. Review status: criteria provided, single submitter. Criteria: ACMG Guidelines, 2015. Collection method: research. Allele origin: germline. Affected: yes. Observed: 1 variant allele.

Blueprint Genetics
Classification: Likely benign. Last evaluated: 2024-11-21. Review status: criteria provided, single submitter. Criteria: ACMG Guidelines, 2015. Collection method: clinical testing. Allele origin: germline.

GeneDx
Classification: Likely benign. Last evaluated: 2021-09-18. Review status: criteria provided, single submitter. Criteria: GeneDx Variant Classification Process June 2021. Collection method: clinical testing. Allele origin: germline. Affected: yes.

Genome-Nilou Lab
Classification: Likely benign for Autosomal recessive nonsyndromic hearing loss 18A. Last evaluated: 2021-07-22. Review status: criteria provided, single submitter. Criteria: ACMG Guidelines, 2015. Collection method: clinical testing. Allele origin: germline. Affected: no.

Genome-Nilou Lab
Classification: Likely benign for Usher syndrome type 1C. Last evaluated: 2021-07-22. Review status: criteria provided, single submitter. Criteria: ACMG Guidelines, 2015. Collection method: clinical testing. Allele origin: germline. Affected: no.

Pars Genome Lab
Classification: Likely benign for Usher syndrome type 1C. Last evaluated: 2021-05-18. Review status: criteria provided, single submitter. Criteria: ACMG Guidelines, 2015. Collection method: clinical testing. Allele origin: germline. Affected: no.

Illumina Laboratory Services, Illumina
Classification: Uncertain significance for Usher syndrome type 1C. Last evaluated: 2018-01-12. Review status: criteria provided, single submitter. Criteria: ICSL Variant Classification Criteria 13 December 2019. Collection method: clinical testing. Allele origin: germline.

Eurofins Ntd Llc (ga)
Classification: Likely benign. Last evaluated: 2016-09-13. Review status: criteria provided, single submitter. Criteria: EGL Classification Definitions 2015. Collection method: clinical testing. Allele origin: germline. Observed: 4 variant alleles, 3 heterozygotes, 1 homozygote.

Laboratory for Molecular Medicine, Mass General Brigham Personalized Medicine
Classification: Benign. Last evaluated: 2015-08-18. Review status: criteria provided, single submitter. Criteria: LMM Criteria. Collection method: clinical testing. Allele origin: germline. Observed: 17 variant alleles.
Comment: p.Val135Ile in exon 5 of USH1C: This variant is not expected to have clinical si gnificance because it has been identified in 0.3% (227/66532) of European chromo somes by the Exome Aggregation Consortium (ExAC; dbSNP rs145013633).

Natera, Inc.
Classification: Benign for Usher syndrome type 1C. Last evaluated: 2020-04-11. Review status: no assertion criteria provided. Collection method: clinical testing. Allele origin: germline. Not counted in ClinVar's aggregate classification.